The following is an entry in ClinVar:

NM_001042681.2(RERE):c.3195G>A (p.Ser1065=)

Gene: RERE (arginine-glutamic acid dipeptide repeats; minus strand). Cytogenetic location: 1p36.23.
Variant type: single nucleotide variant.
Coding change: c.3195G>A on transcript NM_001042681.2 (MANE Select); coding-DNA position 3195, G replaced by A.
Protein change: p.Ser1065=; no amino-acid change (serine 1065 retained).
Molecular consequence: synonymous variant.
Genome position (GRCh38, 1-based): chr1:8,360,312, C>T on the plus strand (G>A on the coding strand, the complement: RERE is on the minus strand). VCF-style: chr1-8360312-C-T. GRCh37 (hg19) VCF-style: chr1-8420372-C-T.
Other names: c.1533G>A, p.Ser511= (NM_001042682.2); c.3195G>A, p.Ser1065= (NM_012102.4).
Identifiers: ClinVar variation 3033629 (VCV003033629.7), dbSNP rs1424523183, ClinGen allele CA416029424.

ClinVar aggregate classification (germline): Likely benign. Review status: criteria provided, multiple submitters, no conflicts (2 of 4 stars). 3 submissions from 3 submitters: Likely benign (2). 1 of the submissions does not count toward it. Last evaluated 2026-03-01.

Conditions:
RERE-related disorder. Also called: RERE-related condition; RERE-Related Disorders. Identifiers: MedGen CN381537.

Allele frequency attached by ClinVar (database versions not stated): gnomAD 0.00006.
gnomAD v4.1: 84 of 1,536,948 alleles (0.0055%); highest among the groups gnomAD compares: South Asian, 0.011%; no homozygotes.

Submissions (3):

CeGaT Center for Human Genetics Tuebingen
Classification: Likely benign. Last evaluated: 2026-03-01. Review status: criteria provided, single submitter. Criteria: CeGaT Center For Human Genetics Tuebingen Variant Classification Criteria Version 2. Collection method: clinical testing. Allele origin: germline. Affected: yes. Observed: 1 variant allele.
Comment: RERE: BP4, BP7

Blueprint Genetics
Classification: Likely benign. Last evaluated: 2023-10-27. Review status: criteria provided, single submitter. Criteria: ACMG Guidelines, 2015. Collection method: clinical testing. Allele origin: germline.

PreventionGenetics, part of Exact Sciences
Classification: Likely benign for RERE-related condition. Last evaluated: 2019-06-17. Review status: no assertion criteria provided. Collection method: clinical testing. Allele origin: germline. Not counted in ClinVar's aggregate classification.
Comment: This variant is classified as likely benign based on ACMG/AMP sequence variant interpretation guidelines (Richards et al. 2015 PMID: 25741868, with internal and published modifications).